The following is an entry in ClinVar:

ClinVar aggregate classification (germline): Uncertain significance. Review status: criteria provided, multiple submitters, no conflicts (2 of 4 stars). 2 submissions from 2 submitters: Uncertain significance (2). Last evaluated 2024-12-26.

Conditions:
POLD1-related polyposis and colorectal cancer syndrome (CRCS10). Also called: Colorectal cancer 10; COLORECTAL CANCER, SUSCEPTIBILITY TO, ON CHROMOSOME 19q; Colorectal cancer, susceptibility to, 10. Identifiers: Orphanet 220460, MedGen C2675481, MONDO:0012953, OMIM 612591.
Hereditary cancer-predisposing syndrome. Also called: Neoplastic Syndromes, Hereditary; Tumor predisposition; Hereditary Cancer Syndrome; Hereditary neoplastic syndrome. Identifiers: Orphanet 140162, MedGen C0027672, MeSH D009386, MONDO:0015356.

Submissions (2):

Labcorp Genetics (formerly Invitae), Labcorp
Classification: Uncertain significance for POLD1-related polyposis and colorectal cancer syndrome. Last evaluated: 2024-12-26. Review status: criteria provided, single submitter. Criteria: Invitae Variant Classification Sherloc (09022015). Collection method: clinical testing. Allele origin: germline.
Comment: This sequence change replaces glutamic acid, which is acidic and polar, with glycine, which is neutral and non-polar, at codon 57 of the POLD1 protein (p.Glu57Gly). This variant is not present in population databases (gnomAD no frequency). This variant has not been reported in the literature in individuals affected with POLD1-related conditions. An algorithm developed to predict the effect of missense changes on protein structure and function outputs the following: PolyPhen-2: "Benign". The glycine amino acid residue is found in multiple mammalian species, which suggests that this missense change does not adversely affect protein function. In summary, the available evidence is currently insufficient to determine the role of this variant in disease. Therefore, it has been classified as a Variant of Uncertain Significance.

Ambry Genetics
Classification: Uncertain significance for Hereditary cancer-predisposing syndrome. Last evaluated: 2024-04-11. Review status: criteria provided, single submitter. Criteria: Ambry Variant Classification Scheme 2023. Collection method: clinical testing. Allele origin: germline.
Comment: The p.E57G variant (also known as c.170A>G), located in coding exon 1 of the POLD1 gene, results from an A to G substitution at nucleotide position 170. The glutamic acid at codon 57 is replaced by glycine, an amino acid with similar properties. This amino acid position is conserved. In addition, this alteration is predicted to be tolerated by in silico analysis. Based on the available evidence, the clinical significance of this variant remains unclear.

NM_002691.4(POLD1):c.170A>G (p.Glu57Gly)

Gene: POLD1 (DNA polymerase delta 1, catalytic subunit; plus strand). Cytogenetic location: 19q13.33.
Variant type: single nucleotide variant.
Coding change: c.170A>G on transcript NM_002691.4 (MANE Select); coding-DNA position 170, A replaced by G.
Protein change: p.Glu57Gly; replaces glutamic acid 57 with glycine.
Molecular consequence: missense variant. On other transcripts: non-coding transcript variant (1).
Genome position (GRCh38, 1-based): chr19:50,399,021, A>G. VCF-style: chr19-50399021-A-G. GRCh37 (hg19) VCF-style: chr19-50902278-A-G.
Other names: c.170A>G, p.Glu57Gly (NM_001256849.1, NM_001308632.1); short protein forms E57G.
Identifiers: ClinVar variation 3308283 (VCV003308283.3).